The following is an entry in ClinVar:

NM_014846.4(WASHC5):c.2034del (p.His678fs)

Gene: WASHC5 (WASH complex subunit 5; minus strand). Cytogenetic location: 8q24.13.
Variant type: Deletion.
Coding change: c.2034del on transcript NM_014846.4 (MANE Select); coding-DNA position 2034, one base deleted (T; older notation c.2034delT).
Protein change: p.His678fs; shifts the reading frame from histidine 678.
Molecular consequence: frameshift variant.
Genome position (GRCh38, 1-based): chr8:125,055,654, A deleted on the plus strand (T on the coding strand, the reverse complement: WASHC5 is on the minus strand). VCF-style (leftmost placement, unchanged base first): chr8-125055653-CA-C. GRCh37 (hg19) VCF-style: chr8-126067895-CA-C.
Other names: c.1590del, p.His530fs (NM_001330609.2); short protein forms H530fs, H678fs.
Identifiers: ClinVar variation 4852635 (VCV004852635.2).

ClinVar aggregate classification (germline): Likely pathogenic (1 of 4 stars; one submission).

Submission:

Dasa
Classification: Likely pathogenic. Last evaluated: 2024-07-16. Review status: criteria provided, single submitter. Criteria: DASA Assertion Criteria. Collection method: clinical testing. Allele origin: germline.
Comment: NM_014846.4(WASHC5):c.2034del (p.His678Glnfs*11) is a frameshift variant in WASHC5 predicted to alter the reading frame and introduce a premature termination codon and is predicted to result in an absent or altered protein product. Loss of function is an established disease mechanism for WASHC5-associated disorders. Also, this variant is absent from population databases. Based on the currently available evidence, this variant is classified as likely pathogenic.